The following is an entry in ClinVar:

NM_032043.3(BRIP1):c.1836G>T (p.Leu612Phe)

Gene: BRIP1 (BRCA1 interacting DNA helicase 1; minus strand). Cytogenetic location: 17q23.2.
Variant type: single nucleotide variant.
Coding change: c.1836G>T on transcript NM_032043.3 (MANE Select); coding-DNA position 1836, G replaced by T.
Protein change: p.Leu612Phe; replaces leucine 612 with phenylalanine.
Molecular consequence: missense variant.
Genome position (GRCh38, 1-based): chr17:61,780,360, C>A on the plus strand (G>T on the coding strand, the complement: BRIP1 is on the minus strand). VCF-style: chr17-61780360-C-A. GRCh37 (hg19) VCF-style: chr17-59857721-C-A.
Other names: short protein forms L612F.
Identifiers: ClinVar variation 918162 (VCV000918162.7), dbSNP rs1464898721, ClinGen allele CA400480145.

ClinVar aggregate classification (germline): Uncertain significance. Review status: criteria provided, multiple submitters, no conflicts (2 of 4 stars). 3 submissions from 3 submitters: Uncertain significance (3). Last evaluated 2025-01-27.

Conditions:
Familial cancer of breast. Also called: hereditary breast carcinoma; BREAST CANCER, FAMILIAL; Hereditary breast cancer. Identifiers: Orphanet 227535, MedGen C0346153, MONDO:0016419, OMIM 114480. Disease mechanism: loss of function.
Fanconi anemia complementation group J. Also called: BRIP1-Related Fanconi Anemia. Identifiers: Orphanet 84, MedGen C1836860, MONDO:0012187, OMIM 609054.

Submissions (3):

Women's Health and Genetics/Laboratory Corporation of America, LabCorp
Classification: Uncertain significance. Last evaluated: 2025-01-27. Review status: criteria provided, single submitter. Criteria: LabCorp Variant Classification Summary - May 2015. Collection method: clinical testing. Allele origin: germline.
Comment: Variant summary: BRIP1 c.1836G>T (p.Leu612Phe) results in a non-conservative amino acid change in the encoded protein sequence. Four of five in-silico tools predict a damaging effect of the variant on protein function. The variant was absent in 251434 control chromosomes. The available data on variant occurrences in the general population are insufficient to allow any conclusion about variant significance. To our knowledge, no occurrence of c.1836G>T in individuals affected with BRIP1-related conditions and no experimental evidence demonstrating its impact on protein function have been reported. ClinVar contains an entry for this variant (Variation ID: 918162). Based on the evidence outlined above, the variant was classified as uncertain significance.

Baylor Genetics
Classification: Uncertain significance for Familial cancer of breast. Last evaluated: 2023-07-25. Review status: criteria provided, single submitter. Criteria: ACMG Guidelines, 2015. Collection method: clinical testing. Allele origin: unknown.

Labcorp Genetics (formerly Invitae), Labcorp
Classification: Uncertain significance for Familial cancer of breast; Fanconi anemia complementation group J. Last evaluated: 2023-04-26. Review status: criteria provided, single submitter. Criteria: Invitae Variant Classification Sherloc (09022015). Collection method: clinical testing. Allele origin: germline.
Comment: In summary, the available evidence is currently insufficient to determine the role of this variant in disease. Therefore, it has been classified as a Variant of Uncertain Significance. Advanced modeling of protein sequence and biophysical properties (such as structural, functional, and spatial information, amino acid conservation, physicochemical variation, residue mobility, and thermodynamic stability) performed at Invitae indicates that this missense variant is expected to disrupt BRIP1 protein function. ClinVar contains an entry for this variant (Variation ID: 918162). This variant has not been reported in the literature in individuals affected with BRIP1-related conditions. This variant is not present in population databases (gnomAD no frequency). This sequence change replaces leucine, which is neutral and non-polar, with phenylalanine, which is neutral and non-polar, at codon 612 of the BRIP1 protein (p.Leu612Phe).